The following is an entry in ClinVar:

NM_018062.4(FANCL):c.542G>A (p.Ser181Asn)

Gene: FANCL (FA complementation group L; minus strand). Cytogenetic location: 2p16.1.
Variant type: single nucleotide variant.
Coding change: c.542G>A on transcript NM_018062.4 (MANE Select); coding-DNA position 542, G replaced by A.
Protein change: p.Ser181Asn; replaces serine 181 with asparagine.
Molecular consequence: missense variant. On other transcripts: non-coding transcript variant (2).
Genome position (GRCh38, 1-based): chr2:58,165,873, C>T on the plus strand (G>A on the coding strand, the complement: FANCL is on the minus strand). VCF-style: chr2-58165873-C-T. GRCh37 (hg19) VCF-style: chr2-58393008-C-T.
Other names: c.557G>A, p.Ser186Asn (NM_001114636.2); c.587G>A, p.Ser196Asn (NM_001374615.1); c.602G>A, p.Ser201Asn (NM_001410792.1); short protein forms S181N, S186N, S196N, S201N.
Identifiers: ClinVar variation 3624750 (VCV003624750.2).

ClinVar aggregate classification (germline): Uncertain significance (1 of 4 stars; one submission).

Conditions:
Fanconi anemia (FA). Also called: Fanconi's anemia. Identifiers: Orphanet 84, MedGen C0015625, MeSH D005199, MONDO:0019391.

gnomAD v4.1: 1 of 1,613,784 alleles (0.000062%); highest among the groups gnomAD compares: Non-Finnish European, 0.000085%; no homozygotes.

Submission:

Labcorp Genetics (formerly Invitae), Labcorp
Classification: Uncertain significance for Fanconi anemia. Last evaluated: 2024-05-13. Review status: criteria provided, single submitter. Criteria: Invitae Variant Classification Sherloc (09022015). Collection method: clinical testing. Allele origin: germline.
Comment: This sequence change replaces serine, which is neutral and polar, with asparagine, which is neutral and polar, at codon 181 of the FANCL protein (p.Ser181Asn). This variant is not present in population databases (gnomAD no frequency). This variant has not been reported in the literature in individuals affected with FANCL-related conditions. An algorithm developed to predict the effect of missense changes on protein structure and function (PolyPhen-2) suggests that this variant is likely to be tolerated. In summary, the available evidence is currently insufficient to determine the role of this variant in disease. Therefore, it has been classified as a Variant of Uncertain Significance.